The following is an entry in ClinVar:

ClinVar aggregate classification (germline): Uncertain significance (1 of 4 stars; one submission).

Conditions:
Werner syndrome (WRN). Identifiers: Orphanet 902, MedGen C0043119, MONDO:0010196, OMIM 277700.

Allele frequency attached by ClinVar (database versions not stated): gnomAD exomes below 0.00001 and 0.00001; TOPMed 0.00001.
gnomAD v4.1: 15 of 1,613,926 alleles (0.00093%); highest among the groups gnomAD compares: Non-Finnish European, 0.0013%; no homozygotes.

Submission:

Labcorp Genetics (formerly Invitae), Labcorp
Classification: Uncertain significance for Werner syndrome. Last evaluated: 2024-04-10. Review status: criteria provided, single submitter. Criteria: Invitae Variant Classification Sherloc (09022015). Collection method: clinical testing. Allele origin: germline.
Comment: This sequence change replaces valine, which is neutral and non-polar, with alanine, which is neutral and non-polar, at codon 1144 of the WRN protein (p.Val1144Ala). This variant is present in population databases (no rsID available, gnomAD 0.0009%). This variant has not been reported in the literature in individuals affected with WRN-related conditions. ClinVar contains an entry for this variant (Variation ID: 640845). Algorithms developed to predict the effect of missense changes on protein structure and function output the following: SIFT: "Not Available"; PolyPhen-2: "Benign"; Align-GVGD: "Not Available". The alanine amino acid residue is found in multiple mammalian species, which suggests that this missense change does not adversely affect protein function. In summary, the available evidence is currently insufficient to determine the role of this variant in disease. Therefore, it has been classified as a Variant of Uncertain Significance.

NM_000553.6(WRN):c.3431T>C (p.Val1144Ala)

Gene: WRN (WRN RecQ like helicase; plus strand). Cytogenetic location: 8p12.
Variant type: single nucleotide variant.
Coding change: c.3431T>C on transcript NM_000553.6 (MANE Select); coding-DNA position 3431, T replaced by C.
Protein change: p.Val1144Ala; replaces valine 1144 with alanine.
Molecular consequence: missense variant.
Genome position (GRCh38, 1-based): chr8:31,147,100, T>C. VCF-style: chr8-31147100-T-C. GRCh37 (hg19) VCF-style: chr8-31004616-T-C.
Other names: short protein forms V1144A.
Identifiers: ClinVar variation 640845 (VCV000640845.7), dbSNP rs1361927185, ClinGen allele CA370925410.